The following is an entry in ClinVar:

NM_145290.4(ADGRA3):c.2899A>G (p.Asn967Asp)

Gene: ADGRA3 (adhesion G protein-coupled receptor A3; minus strand). Cytogenetic location: 4p15.2.
Variant type: single nucleotide variant.
Coding change: c.2899A>G on transcript NM_145290.4 (MANE Select); coding-DNA position 2899, A replaced by G.
Protein change: p.Asn967Asp; replaces asparagine 967 with aspartic acid.
Molecular consequence: missense variant.
Genome position (GRCh38, 1-based): chr4:22,388,772, T>C on the plus strand (A>G on the coding strand, the complement: ADGRA3 is on the minus strand). VCF-style: chr4-22388772-T-C. GRCh37 (hg19) VCF-style: chr4-22390395-T-C.
Other names: short protein forms N967D.
Identifiers: ClinVar variation 1371654 (VCV001371654.6), dbSNP rs1713967075, ClinGen allele CA356474600.

ClinVar aggregate classification (germline): Uncertain significance (1 of 4 stars; one submission).

Submission:

Labcorp Genetics (formerly Invitae), Labcorp
Classification: Uncertain significance. Last evaluated: 2022-07-19. Review status: criteria provided, single submitter. Criteria: Invitae Variant Classification Sherloc (09022015). Collection method: clinical testing. Allele origin: germline.
Comment: In summary, the available evidence is currently insufficient to determine the role of this variant in disease. Therefore, it has been classified as a Variant of Uncertain Significance. Algorithms developed to predict the effect of missense changes on protein structure and function (SIFT, PolyPhen-2, Align-GVGD) all suggest that this variant is likely to be tolerated. ClinVar contains an entry for this variant (Variation ID: 1371654). This variant has not been reported in the literature in individuals affected with ADGRA3-related conditions. This variant is not present in population databases (gnomAD no frequency). This sequence change replaces asparagine, which is neutral and polar, with aspartic acid, which is acidic and polar, at codon 967 of the ADGRA3 protein (p.Asn967Asp).